The following is an entry in ClinVar:

ClinVar aggregate classification (germline): Uncertain significance (1 of 4 stars; one submission).

Conditions:
Dilated cardiomyopathy 1G (CMD1G). Identifiers: Orphanet 154, MedGen C1858763, MONDO:0011400, OMIM 604145.
Autosomal recessive limb-girdle muscular dystrophy type 2J (LGMDR10). Also called: Limb-girdle muscular dystrophy, type 2J; MUSCULAR DYSTROPHY, LIMB-GIRDLE, AUTOSOMAL RECESSIVE 10. Identifiers: Orphanet 140922, MedGen C1837342, MONDO:0012127, OMIM 608807.

Allele frequency attached by ClinVar (database versions not stated): gnomAD exomes below 0.00001; TOPMed below 0.00001.
gnomAD v4.1: 3 of 1,499,176 alleles (0.0002%); highest among the groups gnomAD compares: Non-Finnish European, 0.00027%; no homozygotes.

Submission:

Labcorp Genetics (formerly Invitae), Labcorp
Classification: Uncertain significance for Dilated cardiomyopathy 1G; Autosomal recessive limb-girdle muscular dystrophy type 2J. Last evaluated: 2025-05-21. Review status: criteria provided, single submitter. Criteria: Invitae Variant Classification Sherloc (09022015). Collection method: clinical testing. Allele origin: germline.
Comment: This sequence change replaces aspartic acid, which is acidic and polar, with asparagine, which is neutral and polar, at codon 21955 of the TTN protein (p.Asp21955Asn). This variant also falls at the last nucleotide of exon 313, which is part of the consensus splice site for this exon. This variant is not present in population databases (gnomAD no frequency). This variant has not been reported in the literature in individuals affected with TTN-related conditions. ClinVar contains an entry for this variant (Variation ID: 578875). Experimental studies and prediction algorithms are not available or were not evaluated, and the functional significance of this variant is currently unknown. Variants that disrupt the consensus splice site are a relatively common cause of aberrant splicing (PMID: 17576681, 9536098). Algorithms developed to predict the effect of sequence changes on RNA splicing suggest that this variant may disrupt the consensus splice site. This variant is located in the A band of TTN (PMID: 25589632). Variants in this region may be relevant for cardiac or neuromuscular disorders (PMID: 25589632, 23975875). In summary, the available evidence is currently insufficient to determine the role of this variant in disease. Therefore, it has been classified as a Variant of Uncertain Significance.

Literature cited by the submitters: PubMed 17576681; PubMed 9536098; PubMed 25589632; PubMed 23975875.

NM_001267550.2(TTN):c.65863G>A (p.Asp21955Asn)

Genes: TTN (titin; minus strand), TTN-AS1 (TTN antisense RNA 1; plus strand). Cytogenetic location: 2q31.2.
Variant type: single nucleotide variant.
Coding change: c.65863G>A on transcript NM_001267550.2 (MANE Select); coding-DNA position 65863, G replaced by A.
Protein change: p.Asp21955Asn; replaces aspartic acid 21955 with asparagine.
Molecular consequence: missense variant.
Genome position (GRCh38, 1-based): chr2:178,582,940, C>T on the plus strand (G>A on the coding strand, the complement: TTN is on the minus strand). VCF-style: chr2-178582940-C-T. GRCh37 (hg19) VCF-style: chr2-179447667-C-T.
Other names: c.60940G>A, p.Asp20314Asn (NM_001256850.1); c.38668G>A, p.Asp12890Asn (NM_003319.4); c.39043G>A, p.Asp13015Asn (NM_133432.3); c.39244G>A, p.Asp13082Asn (NM_133437.4); c.58159G>A, p.Asp19387Asn (NM_133378.4); short protein forms D21955N, D12890N, D13082N, D19387N, D20314N, D13015N.
Identifiers: ClinVar variation 578875 (VCV000578875.11), dbSNP rs1428859947, ClinGen allele CA349432320.